The following is an entry in ClinVar:

ClinVar aggregate classification (germline): Uncertain significance (1 of 4 stars; one submission).

Conditions:
Familial temporal lobe epilepsy 7. Identifiers: Orphanet 101046, MedGen C4225327, MONDO:0014639, OMIM 616436.
Norman-Roberts syndrome (LIS2). Also called: Lissencephaly 2 (Norman-Roberts type). Identifiers: Orphanet 89844, MedGen C0796089, MONDO:0009760, OMIM 257320.

Submission:

Labcorp Genetics (formerly Invitae), Labcorp
Classification: Uncertain significance for Familial temporal lobe epilepsy 7; Norman-Roberts syndrome. Last evaluated: 2025-12-01. Review status: criteria provided, single submitter. Criteria: Invitae Variant Classification Sherloc (09022015). Collection method: clinical testing. Allele origin: germline.
Comment: This sequence change replaces serine, which is neutral and polar, with asparagine, which is neutral and polar, at codon 1514 of the RELN protein (p.Ser1514Asn). This variant is not present in population databases (gnomAD no frequency). This variant has not been reported in the literature in individuals affected with RELN-related conditions. ClinVar contains an entry for this variant (Variation ID: 2943155). Invitae Evidence Modeling of protein sequence and biophysical properties (such as structural, functional, and spatial information, amino acid conservation, physicochemical variation, residue mobility, and thermodynamic stability) indicates that this missense variant is not expected to disrupt RELN protein function with a negative predictive value of 80%. In summary, the available evidence is currently insufficient to determine the role of this variant in disease. Therefore, it has been classified as a Variant of Uncertain Significance.

NM_005045.4(RELN):c.4541G>A (p.Ser1514Asn)

Gene: RELN (reelin; minus strand). Cytogenetic location: 7q22.1.
Variant type: single nucleotide variant.
Coding change: c.4541G>A on transcript NM_005045.4 (MANE Select); coding-DNA position 4541, G replaced by A.
Protein change: p.Ser1514Asn; replaces serine 1514 with asparagine.
Molecular consequence: missense variant.
Genome position (GRCh38, 1-based): chr7:103,572,231, C>T on the plus strand (G>A on the coding strand, the complement: RELN is on the minus strand). VCF-style: chr7-103572231-C-T. GRCh37 (hg19) VCF-style: chr7-103212678-C-T.
Other names: c.4541G>A, p.Ser1514Asn (NM_173054.3); short protein forms S1514N.
Identifiers: ClinVar variation 2943155 (VCV002943155.3), dbSNP rs2484752057, ClinGen allele CA368749995.